The following is an entry in ClinVar:

NM_001830.4(CLCN4):c.832del (p.Ser278fs)

Gene: CLCN4 (Cl-/H+ antiporter 4; plus strand). Cytogenetic location: Xp22.2.
Variant type: Deletion.
Coding change: c.832del on transcript NM_001830.4 (MANE Select); coding-DNA position 832, one base deleted (A; older notation c.832delA).
Protein change: p.Ser278fs; shifts the reading frame from serine 278.
Molecular consequence: frameshift variant.
Genome position (GRCh38, 1-based): chrX:10,206,765, A deleted. VCF-style (leftmost placement, unchanged base first): chrX-10206764-CA-C. GRCh37 (hg19) VCF-style: chrX-10174804-CA-C.
Other names: c.550del, p.Ser184fs (NM_001256944.2); short protein forms S184fs, S278fs.
Identifiers: ClinVar variation 983535 (VCV000983535.3), dbSNP rs1924399093, ClinGen allele CA1139667225.

ClinVar aggregate classification (germline): Likely pathogenic (1 of 4 stars; one submission).

Conditions:
Intellectual disability, X-linked 49 (MRXSRC). Also called: MENTAL RETARDATION, X-LINKED 15; MRX49; CLCN4-Related Neurodevelopmental Disorder; CLCN4-related X-linked intellectual disability syndrome; RAYNAUD-CLAES SYNDROME. Identifiers: Orphanet 485350, Orphanet 777, MedGen C0796221, MONDO:0010250, OMIM 300114.

Submission:

Institute for Genomic Statistics and Bioinformatics, University Hospital Bonn
Classification: Likely pathogenic for Intellectual disability, X-linked 49. Review status: criteria provided, single submitter. Criteria: ACMG Guidelines, 2015. Collection method: clinical testing. Allele origin: maternal. Inheritance: X-linked dominant inheritance. Affected: yes. Observed: 1 hemizygote.
Comment: ACMG classification: likely pathogenic (class 4: PVS1, PM2)